The following is an entry in ClinVar:

NM_144997.7(FLCN):c.1177-11_1177-4del

Gene: FLCN (folliculin; minus strand). Cytogenetic location: 17p11.2.
Variant type: Deletion.
Coding change: c.1177-11_1177-4del on transcript NM_144997.7 (MANE Select); 11 bases into the intron before coding-DNA position 1177 through 4 bases into the intron before coding-DNA position 1177, 8 bases deleted (GTCCTCCT; older notation c.1177-11_1177-4delGTCCTCCT).
Molecular consequence: intron variant.
Genome position (GRCh38, 1-based): chr17:17,216,507-17,216,514, AGGAGGAC deleted on the plus strand (GTCCTCCT on the coding strand, the reverse complement: FLCN is on the minus strand); deleting any 8 consecutive bases within chr17:17,216,507-17,216,516 gives the same sequence; the c. name uses the placement nearest the transcript's 3' end. VCF-style (leftmost placement, unchanged base first): chr17-17216506-GAGGAGGAC-G. GRCh37 (hg19) VCF-style: chr17-17119820-GAGGAGGAC-G.
Other names: p.?; c.1177-11_1177-4del (NM_001353231.2, NM_001353230.2); c.1231-11_1231-4del (NM_001353229.2).
Identifiers: ClinVar variation 3380473 (VCV003380473.1).

ClinVar aggregate classification (germline): Uncertain significance (1 of 4 stars; one submission).

Submission:

Mayo Clinic Laboratories, Mayo Clinic
Classification: Uncertain significance. Last evaluated: 2023-08-23. Review status: criteria provided, single submitter. Criteria: ACMG Guidelines, 2015. Collection method: clinical testing. Allele origin: germline. Observed: 1 variant allele.
Comment: PM2_moderate